The following is an entry in ClinVar:

NM_005094.4(SLC27A4):c.1892A>G (p.Glu631Gly)

Gene: SLC27A4 (solute carrier family 27 member 4; plus strand). Cytogenetic location: 9q34.11.
Variant type: single nucleotide variant.
Coding change: c.1892A>G on transcript NM_005094.4 (MANE Select); coding-DNA position 1892, A replaced by G.
Protein change: p.Glu631Gly; replaces glutamic acid 631 with glycine.
Molecular consequence: missense variant.
Genome position (GRCh38, 1-based): chr9:128,360,451, A>G. VCF-style: chr9-128360451-A-G. GRCh37 (hg19) VCF-style: chr9-131122730-A-G.
Other names: short protein forms E631G.
Identifiers: ClinVar variation 2575530 (VCV002575530.1), dbSNP rs1204437285, ClinGen allele CA375038353.

ClinVar aggregate classification (germline): Uncertain significance (1 of 4 stars; one submission).

Allele frequency attached by ClinVar (database versions not stated): TOPMed below 0.00001.

Submission:

GeneDx
Classification: Uncertain significance. Last evaluated: 2023-02-08. Review status: criteria provided, single submitter. Criteria: GeneDx Variant Classification Process June 2021. Collection method: clinical testing. Allele origin: germline. Affected: yes.
Comment: Has not been previously published as pathogenic or benign to our knowledge; Not observed at significant frequency in large population cohorts (gnomAD); In silico analysis supports that this missense variant has a deleterious effect on protein structure/function